The following is an entry in ClinVar:

ClinVar aggregate classification (germline): Uncertain significance. Review status: criteria provided, multiple submitters, no conflicts (2 of 4 stars). 3 submissions from 3 submitters: Uncertain significance (3). Last evaluated 2026-10-05.

Conditions:
Charcot-Marie-Tooth disease axonal type 2O. Also called: CHARCOT-MARIE-TOOTH NEUROPATHY, AXONAL, TYPE 2O; CHARCOT-MARIE-TOOTH DISEASE, AXONAL, AUTOSOMAL DOMINANT, TYPE 2O; Charcot-Marie-Tooth Neuropathy Type 2O; Charcot-Marie-Tooth disease, axonal, type 20. Identifiers: Orphanet 284232, MedGen C3280220, MONDO:0013644, OMIM 614228.
Inborn genetic diseases. Identifiers: MedGen C0950123, MeSH D030342.

Allele frequency attached by ClinVar (database versions not stated): gnomAD exomes below 0.00001.
gnomAD v4.1: 1 of 1,600,752 alleles (0.000062%); highest among the groups gnomAD compares: Non-Finnish European, 0.000085%; no homozygotes.

Submissions (3):

GeneDx
Classification: Uncertain significance. Last evaluated: 2026-10-05. Review status: criteria provided, single submitter. Criteria: GeneDx Variant Classification Process June 2021. Collection method: clinical testing. Allele origin: germline.
Comment: Not observed at significant frequency in large population cohorts (gnomAD); In silico analysis supports that this missense variant has a deleterious effect on protein structure/function; Has not been previously published as pathogenic or benign to our knowledge; This variant is associated with the following publications: (PMID: 25609763, 26100331, 25512093)

Labcorp Genetics (formerly Invitae), Labcorp
Classification: Uncertain significance for Charcot-Marie-Tooth disease axonal type 2O. Last evaluated: 2023-10-11. Review status: criteria provided, single submitter. Criteria: Invitae Variant Classification Sherloc (09022015). Collection method: clinical testing. Allele origin: germline.
Comment: This sequence change replaces threonine, which is neutral and polar, with alanine, which is neutral and non-polar, at codon 4583 of the DYNC1H1 protein (p.Thr4583Ala). This variant is not present in population databases (gnomAD no frequency). This variant has not been reported in the literature in individuals affected with DYNC1H1-related conditions. ClinVar contains an entry for this variant (Variation ID: 2228267). Advanced modeling of protein sequence and biophysical properties (such as structural, functional, and spatial information, amino acid conservation, physicochemical variation, residue mobility, and thermodynamic stability) performed at Invitae indicates that this missense variant is not expected to disrupt DYNC1H1 protein function. In summary, the available evidence is currently insufficient to determine the role of this variant in disease. Therefore, it has been classified as a Variant of Uncertain Significance.

Ambry Genetics
Classification: Uncertain significance for Inborn genetic diseases. Last evaluated: 2020-11-24. Review status: criteria provided, single submitter. Criteria: Ambry Variant Classification Scheme 2023. Collection method: clinical testing. Allele origin: germline.
Comment: The c.13747A>G (p.T4583A) alteration is located in exon 77 (coding exon 77) of the DYNC1H1 gene. This alteration results from a A to G substitution at nucleotide position 13747, causing the threonine (T) at amino acid position 4583 to be replaced by an alanine (A). The p.T4583A alteration is predicted to be tolerated by in silico analysis. Based on insufficient or conflicting evidence, the clinical significance of this alteration remains unclear.

NM_001376.5(DYNC1H1):c.13747A>G (p.Thr4583Ala)

Gene: DYNC1H1 (dynein cytoplasmic 1 heavy chain 1; plus strand). Cytogenetic location: 14q32.31.
Variant type: single nucleotide variant.
Coding change: c.13747A>G on transcript NM_001376.5 (MANE Select); coding-DNA position 13747, A replaced by G.
Protein change: p.Thr4583Ala; replaces threonine 4583 with alanine.
Molecular consequence: missense variant.
Genome position (GRCh38, 1-based): chr14:102,050,133, A>G. VCF-style: chr14-102050133-A-G. GRCh37 (hg19) VCF-style: chr14-102516470-A-G.
Other names: short protein forms T4583A.
Identifiers: ClinVar variation 2228267 (VCV002228267.7), dbSNP rs2503891597, ClinGen allele CA391051798.